The following is an entry in ClinVar:

NM_001267550.2(TTN):c.77564T>A (p.Leu25855His)

Genes: TTN (titin; minus strand), TTN-AS1 (TTN antisense RNA 1; plus strand). Cytogenetic location: 2q31.2.
Variant type: single nucleotide variant.
Coding change: c.77564T>A on transcript NM_001267550.2 (MANE Select); coding-DNA position 77564, T replaced by A.
Protein change: p.Leu25855His; replaces leucine 25855 with histidine.
Molecular consequence: missense variant.
Genome position (GRCh38, 1-based): chr2:178,568,568, A>T on the plus strand (T>A on the coding strand, the complement: TTN is on the minus strand). VCF-style: chr2-178568568-A-T. GRCh37 (hg19) VCF-style: chr2-179433295-A-T.
Other names: c.69860T>A, p.Leu23287His (NM_133378.4); c.72641T>A, p.Leu24214His (NM_001256850.1); c.50369T>A, p.Leu16790His (NM_003319.4); c.50744T>A, p.Leu16915His (NM_133432.3); c.50945T>A, p.Leu16982His (NM_133437.4); short protein forms L25855H, L23287H, L16790H, L16915H, L16982H, L24214H.
Identifiers: ClinVar variation 47358 (VCV000047358.5), dbSNP rs397517710, ClinGen allele CA140784.

ClinVar aggregate classification (germline): Uncertain significance (1 of 4 stars; one submission).

Submission:

Laboratory for Molecular Medicine, Mass General Brigham Personalized Medicine
Classification: Uncertain significance. Last evaluated: 2013-04-12. Review status: criteria provided, single submitter. Criteria: LMM Criteria. Collection method: clinical testing. Allele origin: germline. Observed: 1 variant allele.
Comment: Computational analyses (biochemical amino acid properties , conservation, PolyPhen2, and SIFT) suggest that this variant may impact the pr otein, though this information is not predictive enough to determine pathogenici ty. In summary, additional information is needed to fully assess the clinical si gnificance of this variant.